The following is an entry in ClinVar:

NM_030624.3(KLHL15):c.1003G>A (p.Glu335Lys)

Gene: KLHL15 (kelch like family member 15; minus strand). Cytogenetic location: Xp22.11.
Variant type: single nucleotide variant.
Coding change: c.1003G>A on transcript NM_030624.3 (MANE Select); coding-DNA position 1003, G replaced by A.
Protein change: p.Glu335Lys; replaces glutamic acid 335 with lysine.
Molecular consequence: missense variant.
Genome position (GRCh38, 1-based): chrX:23,988,733, C>T on the plus strand (G>A on the coding strand, the complement: KLHL15 is on the minus strand). VCF-style: chrX-23988733-C-T. GRCh37 (hg19) VCF-style: chrX-24006850-C-T.
Other names: short protein forms E335K.
Identifiers: ClinVar variation 3234709 (VCV003234709.20), dbSNP rs2518904220, ClinGen allele CA412591978.
Genomic context (GRCh38, chrX:23,988,733, plus strand): 5'-TCGGGTCATACCTGAATACTTTGGAAGAAGCATGGAATTCACCATCCGGGCCCAGCTCTT[C>T]CCCGCCTAACAGGAACACAAAATTATTGACGATAGCAAGGCAGTCAGGTCGCAGAGGTAC-3'
Protein context (NP_085127.2, residues 325-345): VNNFVFLLGG[Glu335Lys]ELGPDGEFHA

ClinVar aggregate classification (germline): Uncertain significance (1 of 4 stars; one submission).

Submission:

CeGaT Center for Human Genetics Tuebingen
Classification: Uncertain significance. Last evaluated: 2024-04-01. Review status: criteria provided, single submitter. Criteria: CeGaT Center For Human Genetics Tuebingen Variant Classification Criteria Version 2. Collection method: clinical testing. Allele origin: germline. Affected: yes. Observed: 1 variant allele.
Comment: KLHL15: PM2, PS2:Moderate